The following is an entry in ClinVar:

ClinVar aggregate classification (germline): Likely benign. Review status: criteria provided, single submitter (1 of 4 stars). 2 submissions from 2 submitters: Likely benign (1). 1 of the submissions does not count toward it. Last evaluated 2024-08-29.

Conditions:
LRRK1-related disorder. Also called: LRRK1-related condition.

Allele frequency attached by ClinVar (database versions not stated): gnomAD exomes 0.00004; gnomAD 0.00007 and 0.00009; ExAC 0.00004; TOPMed 0.00008.
gnomAD v4.1: 55 of 1,614,090 alleles (0.0034%); highest among the groups gnomAD compares: African/African-American, 0.013%; no homozygotes.

Submissions (2):

Labcorp Genetics (formerly Invitae), Labcorp
Classification: Likely benign. Last evaluated: 2024-08-29. Review status: criteria provided, single submitter. Criteria: Invitae Variant Classification Sherloc (09022015). Collection method: clinical testing. Allele origin: germline.

PreventionGenetics, part of Exact Sciences
Classification: Likely benign for LRRK1-related condition. Last evaluated: 2019-08-08. Review status: no assertion criteria provided. Collection method: clinical testing. Allele origin: germline. Not counted in ClinVar's aggregate classification.
Comment: This variant is classified as likely benign based on ACMG/AMP sequence variant interpretation guidelines (Richards et al. 2015 PMID: 25741868, with internal and published modifications).

NM_024652.6(LRRK1):c.3120G>A (p.Ala1040=)

Genes: LRRK1-AS1 (LRRK1 antisense RNA 1; minus strand), LRRK1 (leucine rich repeat kinase 1; plus strand). Cytogenetic location: 15q26.3.
Variant type: single nucleotide variant.
Coding change: c.3120G>A on transcript NM_024652.6 (MANE Select); coding-DNA position 3120, G replaced by A.
Protein change: p.Ala1040=; no amino-acid change (alanine 1040 retained).
Molecular consequence: synonymous variant.
Genome position (GRCh38, 1-based): chr15:101,046,137, G>A. VCF-style: chr15-101046137-G-A. GRCh37 (hg19) VCF-style: chr15-101586342-G-A.
Other names: c.3120G>A (NM_024652.5).
Identifiers: ClinVar variation 735953 (VCV000735953.10), dbSNP rs753506336, ClinGen allele CA7761437.